The following is an entry in ClinVar:

NM_032043.3(BRIP1):c.1369G>A (p.Val457Ile)

Gene: BRIP1 (BRCA1 interacting DNA helicase 1; minus strand). Cytogenetic location: 17q23.2.
Variant type: single nucleotide variant.
Coding change: c.1369G>A on transcript NM_032043.3 (MANE Select); coding-DNA position 1369, G replaced by A.
Protein change: p.Val457Ile; replaces valine 457 with isoleucine.
Molecular consequence: missense variant.
Genome position (GRCh38, 1-based): chr17:61,793,701, C>T on the plus strand (G>A on the coding strand, the complement: BRIP1 is on the minus strand). VCF-style: chr17-61793701-C-T. GRCh37 (hg19) VCF-style: chr17-59871062-C-T.
Other names: short protein forms V457I.
Identifiers: ClinVar variation 483178 (VCV000483178.13), dbSNP rs748221377, ClinGen allele CA400482265.

ClinVar aggregate classification (germline): Uncertain significance. Review status: criteria provided, multiple submitters, no conflicts (2 of 4 stars). 4 submissions from 4 submitters: Uncertain significance (4). Last evaluated 2023-09-27.

Conditions:
Hereditary cancer-predisposing syndrome. Also called: Hereditary neoplastic syndrome; Neoplastic Syndromes, Hereditary; Tumor predisposition; Hereditary Cancer Syndrome. Identifiers: Orphanet 140162, MedGen C0027672, MeSH D009386, MONDO:0015356.
Fanconi anemia complementation group J. Also called: BRIP1-Related Fanconi Anemia. Identifiers: Orphanet 84, MedGen C1836860, MONDO:0012187, OMIM 609054.
Familial cancer of breast. Also called: BREAST CANCER, FAMILIAL; Hereditary breast cancer; hereditary breast carcinoma. Identifiers: Orphanet 227535, MedGen C0346153, MONDO:0016419, OMIM 114480. Disease mechanism: loss of function.

gnomAD v4.1: 1 of 1,610,654 alleles (0.000062%); highest among the groups gnomAD compares: Non-Finnish European, 0.000085%; no homozygotes.

Submissions (4):

Baylor Genetics
Classification: Uncertain significance for Familial cancer of breast. Last evaluated: 2023-09-27. Review status: criteria provided, single submitter. Criteria: ACMG Guidelines, 2015. Collection method: clinical testing. Allele origin: unknown.

Ambry Genetics
Classification: Uncertain significance for Hereditary cancer-predisposing syndrome. Last evaluated: 2023-09-11. Review status: criteria provided, single submitter. Criteria: Ambry Variant Classification Scheme 2023. Collection method: clinical testing. Allele origin: germline.
Comment: The p.V457I variant (also known as c.1369G>A), located in coding exon 9 of the BRIP1 gene, results from a G to A substitution at nucleotide position 1369. The valine at codon 457 is replaced by isoleucine, an amino acid with highly similar properties. This amino acid position is not well conserved in available vertebrate species. In addition, this alteration is predicted to be tolerated by in silico analysis. Since supporting evidence is limited at this time, the clinical significance of this alteration remains unclear.

Labcorp Genetics (formerly Invitae), Labcorp
Classification: Uncertain significance for Familial cancer of breast; Fanconi anemia complementation group J. Last evaluated: 2023-07-17. Review status: criteria provided, single submitter. Criteria: Invitae Variant Classification Sherloc (09022015). Collection method: clinical testing. Allele origin: germline.
Comment: In summary, the available evidence is currently insufficient to determine the role of this variant in disease. Therefore, it has been classified as a Variant of Uncertain Significance. Advanced modeling of protein sequence and biophysical properties (such as structural, functional, and spatial information, amino acid conservation, physicochemical variation, residue mobility, and thermodynamic stability) performed at Invitae indicates that this missense variant is not expected to disrupt BRIP1 protein function. ClinVar contains an entry for this variant (Variation ID: 483178). This variant has not been reported in the literature in individuals affected with BRIP1-related conditions. This variant is not present in population databases (gnomAD no frequency). This sequence change replaces valine, which is neutral and non-polar, with isoleucine, which is neutral and non-polar, at codon 457 of the BRIP1 protein (p.Val457Ile).

Quest Diagnostics Nichols Institute San Juan Capistrano
Classification: Uncertain significance. Last evaluated: 2023-06-14. Review status: criteria provided, single submitter. Criteria: Quest Diagnostics criteria. Collection method: clinical testing. Allele origin: unknown.
Comment: This variant has not been reported in the published literature. It also has not been reported in large, multi-ethnic general populations (Genome Aggregation Database). Analysis of this variant using bioinformatics tools for the prediction of the effect of amino acid changes on protein structure and function yielded predictions that this variant is benign. Based on the available information, we are unable to determine the clinical significance of this variant.